The following is an entry in ClinVar:

ClinVar aggregate classification (germline): Likely pathogenic (1 of 4 stars; one submission).

Conditions:
Developmental and epileptic encephalopathy, 28 (DEE28). Also called: Epileptic encephalopathy, early infantile, 28. Identifiers: Orphanet 442835, MedGen C4015519, MONDO:0014533, OMIM 616211.

Submission:

Institute of Human Genetics, University of Leipzig Medical Center
Classification: Likely pathogenic for Developmental and epileptic encephalopathy, 28. Last evaluated: 2026-06-17. Review status: criteria provided, single submitter. Criteria: ACMG Guidelines, 2015. Collection method: clinical testing. Allele origin: maternal. Inheritance: Autosomal recessive inheritance. Affected: yes.
Comment: Criteria applied: PVS1_STR,PM3,PM2

NM_016373.4:c.517-24594_1056+2408dup

Gene: WWOX (WW domain containing oxidoreductase; plus strand).
Variant type: Duplication.
Other names: c.517-24594_1056+2408dup (NM_016373.4).
Identifiers: ClinVar variation 4279021 (VCV004279021.2).